The following is an entry in ClinVar:

NM_000350.3(ABCA4):c.4793C>G (p.Ala1598Gly)

Genes: ABCA4 (ATP binding cassette subfamily A member 4; minus strand), LOC126805793 (CDK7 strongly-dependent group 2 enhancer GRCh37_chr1:94486302-94487501; plus strand). Cytogenetic location: 1p22.1.
Variant type: single nucleotide variant.
Coding change: c.4793C>G on transcript NM_000350.3 (MANE Select); coding-DNA position 4793, C replaced by G.
Protein change: p.Ala1598Gly; replaces alanine 1598 with glycine.
Molecular consequence: missense variant.
Genome position (GRCh38, 1-based): chr1:94,021,695, G>C on the plus strand (C>G on the coding strand, the complement: ABCA4 is on the minus strand). VCF-style: chr1-94021695-G-C. GRCh37 (hg19) VCF-style: chr1-94487251-G-C.
Other names: c.4571C>G, p.Ala1524Gly (NM_001425324.1); short protein forms A1598G, A1524G.
Identifiers: ClinVar variation 1057512 (VCV001057512.8), dbSNP rs61750155, ClinGen allele CA341283673.

ClinVar aggregate classification (germline): Pathogenic. Review status: criteria provided, single submitter (1 of 4 stars). 2 submissions from 2 submitters: Pathogenic (1). 1 of the submissions does not count toward it. Last evaluated 2023-09-15.

Conditions:
Retinitis pigmentosa 19 (RP19). Also called: ABCA4-Related Retinitis Pigmentosa. Identifiers: Orphanet 791, MedGen C1866422, MONDO:0011137, OMIM 601718.

Submissions (2):

Labcorp Genetics (formerly Invitae), Labcorp
Classification: Pathogenic. Last evaluated: 2023-09-15. Review status: criteria provided, single submitter. Criteria: Invitae Variant Classification Sherloc (09022015). Collection method: clinical testing. Allele origin: germline.
Comment: Advanced modeling of protein sequence and biophysical properties (such as structural, functional, and spatial information, amino acid conservation, physicochemical variation, residue mobility, and thermodynamic stability) performed at Invitae indicates that this missense variant is expected to disrupt ABCA4 protein function. For these reasons, this variant has been classified as Pathogenic. This variant disrupts the p.Ala1598 amino acid residue in ABCA4. Other variant(s) that disrupt this residue have been determined to be pathogenic (PMID: 10958761, 19074458, 23105016, 28559085). This suggests that this residue is clinically significant, and that variants that disrupt this residue are likely to be disease-causing. ClinVar contains an entry for this variant (Variation ID: 1057512). This missense change has been observed in individual(s) with inherited retinal dystrophy and/or Stargardt disease (PMID: 26161775; Invitae). This variant is not present in population databases (gnomAD no frequency). This sequence change replaces alanine, which is neutral and non-polar, with glycine, which is neutral and non-polar, at codon 1598 of the ABCA4 protein (p.Ala1598Gly).

Dr.Nikuei Genetic Center
Classification: Pathogenic for Retinitis pigmentosa 19. Review status: no assertion criteria provided. Collection method: clinical testing. Allele origin: germline. Affected: yes. Not counted in ClinVar's aggregate classification.

Literature cited by the submitters: PubMed 10958761 (cited by Labcorp Genetics (formerly Invitae), Labcorp); PubMed 19074458 (cited by Labcorp Genetics (formerly Invitae), Labcorp); PubMed 23105016 (cited by Labcorp Genetics (formerly Invitae), Labcorp); PubMed 28559085 (cited by Labcorp Genetics (formerly Invitae), Labcorp); PubMed 26161775 (cited by Labcorp Genetics (formerly Invitae), Labcorp).